The following is an entry in ClinVar:

NM_005422.4(TECTA):c.1787A>C (p.Gln596Pro)

Genes: TBCEL-TECTA (TBCEL-TECTA readthrough; plus strand), TECTA (tectorin alpha; plus strand). Cytogenetic location: 11q23.3.
Variant type: single nucleotide variant.
Coding change: c.1787A>C on transcript NM_005422.4 (MANE Select); coding-DNA position 1787, A replaced by C.
Protein change: p.Gln596Pro; replaces glutamine 596 with proline.
Molecular consequence: missense variant.
Genome position (GRCh38, 1-based): chr11:121,127,764, A>C. VCF-style: chr11-121127764-A-C. GRCh37 (hg19) VCF-style: chr11-120998473-A-C.
Other names: c.2744A>C, p.Gln915Pro (NM_001378761.1); short protein forms Q596P, Q915P.
Identifiers: ClinVar variation 1691794 (VCV001691794.3), dbSNP rs1206572277, ClinGen allele CA383013094.

ClinVar aggregate classification (germline): Uncertain significance (1 of 4 stars; one submission).

Allele frequency attached by ClinVar (database versions not stated): gnomAD exomes 0.00001.
gnomAD v4.1: 4 of 1,614,106 alleles (0.00025%); highest among the groups gnomAD compares: Non-Finnish European, 0.00034%; no homozygotes.

Submission:

GeneDx
Classification: Uncertain significance. Last evaluated: 2025-09-24. Review status: criteria provided, single submitter. Criteria: GeneDx Variant Classification Process June 2021. Collection method: clinical testing. Allele origin: germline. Affected: yes.
Comment: Not observed at significant frequency in large population cohorts (gnomAD); In silico analysis suggests that this missense variant does not alter protein structure/function; Has not been previously published as pathogenic or benign to our knowledge; This variant is associated with the following publications: (PMID: 21520338, 9590290, 31554319)